The following is an entry in ClinVar:

ClinVar aggregate classification (germline): Likely benign. Review status: criteria provided, multiple submitters, no conflicts (2 of 4 stars). 6 submissions from 5 submitters: Likely benign (6). Last evaluated 2025-06-10.

Conditions:
Familial thoracic aortic aneurysm and aortic dissection (TAAD). Also called: Thoracic aortic aneurysms and dissections. Identifiers: Orphanet 91387, MedGen C4707243, MONDO:0019625.
Adams-Oliver syndrome 5 (AOS5). Identifiers: Orphanet 974, MedGen C4014970, MONDO:0014459, OMIM 616028.
Aortic valve disease 1 (AOVD1). Identifiers: MedGen C3887892, MONDO:0024523, OMIM 109730.

Allele frequency attached by ClinVar (database versions not stated): gnomAD 0.00001; gnomAD exomes 0.00001 and 0.00002; ExAC 0.00003; TOPMed 0.00003.
gnomAD v4.1: 21 of 1,598,496 alleles (0.0013%); highest among the groups gnomAD compares: Middle Eastern, 0.036%; no homozygotes.

Submissions (6):

Ambry Genetics
Classification: Likely benign for Familial thoracic aortic aneurysm and aortic dissection. Last evaluated: 2025-06-10. Review status: criteria provided, single submitter. Criteria: Ambry Variant Classification Scheme 2023. Collection method: clinical testing. Allele origin: germline.

Labcorp Genetics (formerly Invitae), Labcorp
Classification: Likely benign for Adams-Oliver syndrome 5. Last evaluated: 2023-09-29. Review status: criteria provided, single submitter. Criteria: Invitae Variant Classification Sherloc (09022015). Collection method: clinical testing. Allele origin: germline.

CeGaT Center for Human Genetics Tuebingen
Classification: Likely benign. Last evaluated: 2023-01-01. Review status: criteria provided, single submitter. Criteria: CeGaT Center For Human Genetics Tuebingen Variant Classification Criteria Version 2. Collection method: clinical testing. Allele origin: germline. Affected: yes. Observed: 1 variant allele.
Comment: NOTCH1: BP4, BP7

Genome-Nilou Lab
Classification: Likely benign for Adams-Oliver syndrome 5. Last evaluated: 2022-03-15. Review status: criteria provided, single submitter. Criteria: ACMG Guidelines, 2015. Collection method: clinical testing. Allele origin: germline. Affected: no.

Genome-Nilou Lab
Classification: Likely benign for Aortic valve disease 1. Last evaluated: 2022-03-15. Review status: criteria provided, single submitter. Criteria: ACMG Guidelines, 2015. Collection method: clinical testing. Allele origin: germline. Affected: no.

GeneDx
Classification: Likely benign. Last evaluated: 2020-02-04. Review status: criteria provided, single submitter. Criteria: GeneDx Variant Classification Process June 2021. Collection method: clinical testing. Allele origin: germline. Affected: yes.

NM_017617.5(NOTCH1):c.1749C>T (p.Gly583=)

Gene: NOTCH1 (notch receptor 1; minus strand). Cytogenetic location: 9q34.3.
Variant type: single nucleotide variant.
Coding change: c.1749C>T on transcript NM_017617.5 (MANE Select); coding-DNA position 1749, C replaced by T.
Protein change: p.Gly583=; no amino-acid change (glycine 583 retained).
Molecular consequence: synonymous variant.
Genome position (GRCh38, 1-based): chr9:136,515,637, G>A on the plus strand (C>T on the coding strand, the complement: NOTCH1 is on the minus strand). VCF-style: chr9-136515637-G-A. GRCh37 (hg19) VCF-style: chr9-139410089-G-A.
Other names: c.1749C>T, p.Gly583= (LRG_1122t1).
Identifiers: ClinVar variation 477881 (VCV000477881.38), dbSNP rs751367001, ClinGen allele CA5341639.